The following is an entry in ClinVar:

ClinVar aggregate classification (germline): Uncertain significance (1 of 4 stars; one submission).

Conditions:
Neuropathy, hereditary sensory, type 1F. Also called: Hereditary sensory neuropathy type IF; HSN IF. Identifiers: Orphanet 36386, MedGen C3810194, MONDO:0014286, OMIM 615632.

Allele frequency attached by ClinVar (database versions not stated): gnomAD exomes 0.00001.
gnomAD v4.1: 11 of 1,614,182 alleles (0.00068%); highest among the groups gnomAD compares: Non-Finnish European, 0.00093%; no homozygotes.

Submission:

Labcorp Genetics (formerly Invitae), Labcorp
Classification: Uncertain significance for Neuropathy, hereditary sensory, type 1F. Last evaluated: 2021-05-30. Review status: criteria provided, single submitter. Criteria: Invitae Variant Classification Sherloc (09022015). Collection method: clinical testing. Allele origin: germline.
Comment: In summary, the available evidence is currently insufficient to determine the role of this variant in disease. Therefore, it has been classified as a Variant of Uncertain Significance. Algorithms developed to predict the effect of missense changes on protein structure and function are either unavailable or do not agree on the potential impact of this missense change (SIFT: "Deleterious"; PolyPhen-2: "Probably Damaging"; Align-GVGD: "Class C15"). This variant has not been reported in the literature in individuals with ATL3-related disease. This variant is not present in population databases (ExAC no frequency). This sequence change replaces tyrosine with phenylalanine at codon 492 of the ATL3 protein (p.Tyr492Phe). The tyrosine residue is highly conserved and there is a small physicochemical difference between tyrosine and phenylalanine.

NM_015459.5(ATL3):c.1475A>T (p.Tyr492Phe)

Genes: LNCROPM (lncRNA regulator of PLAAT3 mediated phospholipid metabolism; plus strand), ATL3 (atlastin GTPase 3; minus strand). Cytogenetic location: 11q13.1.
Variant type: single nucleotide variant.
Coding change: c.1475A>T on transcript NM_015459.5 (MANE Select); coding-DNA position 1475, A replaced by T.
Protein change: p.Tyr492Phe; replaces tyrosine 492 with phenylalanine.
Molecular consequence: missense variant.
Genome position (GRCh38, 1-based): chr11:63,631,104, T>A on the plus strand (A>T on the coding strand, the complement: ATL3 is on the minus strand). VCF-style: chr11-63631104-T-A. GRCh37 (hg19) VCF-style: chr11-63398576-T-A.
Other names: c.1421A>T, p.Tyr474Phe (NM_001290048.2); short protein forms Y474F, Y492F.
Identifiers: ClinVar variation 639122 (VCV000639122.8), dbSNP rs956743740, ClinGen allele CA223740827.
Genomic context (GRCh38, chr11:63,631,104, plus strand): 5'-TCCAACACATATGCGGCACCAAAATCAATAGCTCCGCCCAGCTCACGATATTGACCAGAA[T>A]ACCTGATGTAGCCCCAGGTGAGGAGTGCTATTAACAGTAGTCCAACCATACAGTTGAACA-3'
Protein context (NP_056274.3, residues 482-502): IALLTWGYIR[Tyr492Phe]SGQYRELGGA